The following is an entry in ClinVar:

ClinVar aggregate classification (germline): Uncertain significance. Review status: criteria provided, multiple submitters, no conflicts (2 of 4 stars). 2 submissions from 2 submitters: Uncertain significance (2). Last evaluated 2025-11-24.

gnomAD v4.1: 37 of 1,612,550 alleles (0.0023%); highest among the groups gnomAD compares: Non-Finnish European, 0.0031%; no homozygotes.

Submissions (2):

Ambry Genetics
Classification: Uncertain significance. Last evaluated: 2025-11-24. Review status: criteria provided, single submitter. Criteria: Ambry Variant Classification Scheme 2023. Collection method: clinical testing. Allele origin: germline.

Women's Health and Genetics/Laboratory Corporation of America, LabCorp
Classification: Uncertain significance. Last evaluated: 2025-07-09. Review status: criteria provided, single submitter. Criteria: LabCorp Variant Classification Summary - May 2015. Collection method: clinical testing. Allele origin: germline.
Comment: Variant summary: CHD1 c.4180A>G (p.Thr1394Ala) results in a non-conservative amino acid change in the encoded protein sequence. Algorithms developed to predict the effect of missense changes on protein structure and function all suggest that this variant is likely to be disruptive. The variant allele was found at a frequency of 1.6e-05 in 249518 control chromosomes. The available data on variant occurrences in the general population are insufficient to allow any conclusion about variant significance. To our knowledge, no occurrence of c.4180A>G in individuals affected with Pilarowski-Bjornsson Syndrome and no experimental evidence demonstrating its impact on protein function have been reported. No submitters have cited clinical-significance assessments for this variant to ClinVar. Based on the evidence outlined above, the variant was classified as uncertain significance.

NM_001270.4(CHD1):c.4180A>G (p.Thr1394Ala)

Gene: CHD1 (chromodomain helicase DNA binding protein 1; minus strand). Cytogenetic location: 5q15.
Variant type: single nucleotide variant.
Coding change: c.4180A>G on transcript NM_001270.4 (MANE Select); coding-DNA position 4180, A replaced by G.
Protein change: p.Thr1394Ala; replaces threonine 1394 with alanine.
Molecular consequence: missense variant. On other transcripts: non-coding transcript variant (2).
Genome position (GRCh38, 1-based): chr5:98,868,563, T>C on the plus strand (A>G on the coding strand, the complement: CHD1 is on the minus strand). VCF-style: chr5-98868563-T-C. GRCh37 (hg19) VCF-style: chr5-98204267-T-C.
Other names: c.4444A>G, p.Thr1482Ala (NM_001364113.3); c.4180A>G, p.Thr1394Ala (NM_001376194.2); c.4180A>G (NM_001270.2); short protein forms T1482A, T1394A.
Identifiers: ClinVar variation 4526028 (VCV004526028.2).